The following is an entry in ClinVar:

ClinVar aggregate classification (germline): Benign/Likely benign. Review status: criteria provided, multiple submitters, no conflicts (2 of 4 stars). 10 submissions from 10 submitters: Benign (3); Likely benign (6). 1 of the submissions does not count toward it. Last evaluated 2026-02-03.

Conditions:
Premature ovarian failure 15. Identifiers: MedGen C4748170, MONDO:0054862, OMIM 618096.
Hereditary cancer-predisposing syndrome. Also called: Tumor predisposition; Hereditary Cancer Syndrome; Neoplastic Syndromes, Hereditary; Hereditary neoplastic syndrome. Identifiers: Orphanet 140162, MedGen C0027672, MeSH D009386, MONDO:0015356.
Fanconi anemia (FA). Also called: Fanconi's anemia. Identifiers: Orphanet 84, MedGen C0015625, MeSH D005199, MONDO:0019391.
Inborn genetic diseases. Identifiers: MedGen C0950123, MeSH D030342.

Allele frequency attached by ClinVar (database versions not stated): gnomAD exomes 0.00073; ExAC 0.00085; ESP Exome Variant Server 0.00208; gnomAD 0.00248 and 0.00254; TOPMed 0.00253; 1000 Genomes Project 0.00359; 1000 Genomes Project 30x 0.00375.
gnomAD v4.1: 880 of 1,606,088 alleles (0.055%); highest among the groups gnomAD compares: African/African-American, 0.92%; 12 homozygotes.

Submissions (10):

Labcorp Genetics (formerly Invitae), Labcorp
Classification: Benign for Fanconi anemia. Last evaluated: 2026-02-03. Review status: criteria provided, single submitter. Criteria: Invitae Variant Classification Sherloc (09022015). Collection method: clinical testing. Allele origin: germline.

Quest Diagnostics Nichols Institute San Juan Capistrano
Classification: Benign. Last evaluated: 2025-10-01. Review status: criteria provided, single submitter. Criteria: Quest Diagnostics criteria. Collection method: clinical testing. Allele origin: unknown.

Blueprint Genetics
Classification: Likely benign. Last evaluated: 2024-11-27. Review status: criteria provided, single submitter. Criteria: ACMG Guidelines, 2015. Collection method: clinical testing. Allele origin: germline.

Ambry Genetics
Classification: Likely benign for Inborn genetic diseases. Last evaluated: 2024-10-02. Review status: criteria provided, single submitter. Criteria: Ambry Variant Classification Scheme 2023. Collection method: clinical testing. Allele origin: germline.

KCCC/NGS Laboratory, Kuwait Cancer Control Center
Classification: Benign for Premature ovarian failure 15. Last evaluated: 2023-07-07. Review status: criteria provided, single submitter. Criteria: ACMG Guidelines, 2015. Collection method: clinical testing. Allele origin: germline. Affected: yes.

CeGaT Center for Human Genetics Tuebingen
Classification: Likely benign. Last evaluated: 2023-03-01. Review status: criteria provided, single submitter. Criteria: CeGaT Center For Human Genetics Tuebingen Variant Classification Criteria Version 2. Collection method: clinical testing. Allele origin: germline. Affected: yes. Observed: 1 variant allele.
Comment: FANCM: BP4, BP7

Sema4
Classification: Likely benign for Hereditary cancer-predisposing syndrome. Last evaluated: 2021-06-25. Review status: criteria provided, single submitter. Criteria: Sema4 Curation Guidelines. Collection method: curation. Allele origin: germline.

GeneDx
Classification: Likely benign. Last evaluated: 2020-12-23. Review status: criteria provided, single submitter. Criteria: GeneDx Variant Classification Process June 2021. Collection method: clinical testing. Allele origin: germline. Affected: yes.

Breakthrough Genomics
Classification: Likely benign. Review status: criteria provided, single submitter. Criteria: ACMG Guidelines, 2015. Collection method: not provided. Allele origin: germline. Inheritance: Autosomal recessive inheritance. Affected: yes.

Genetic Services Laboratory, University of Chicago
Classification: Likely benign. Last evaluated: 2022-09-07. Review status: no assertion criteria provided. Collection method: clinical testing. Allele origin: germline. Affected: no. Not counted in ClinVar's aggregate classification.

NM_020937.4(FANCM):c.4260C>T (p.Asp1420=)

Gene: FANCM (FA complementation group M; plus strand). Cytogenetic location: 14q21.2.
Variant type: single nucleotide variant.
Coding change: c.4260C>T on transcript NM_020937.4 (MANE Select); coding-DNA position 4260, C replaced by T.
Protein change: p.Asp1420=; no amino-acid change (aspartic acid 1420 retained).
Molecular consequence: synonymous variant.
Genome position (GRCh38, 1-based): chr14:45,181,467, C>T. VCF-style: chr14-45181467-C-T. GRCh37 (hg19) VCF-style: chr14-45650670-C-T.
Other names: c.4260C>T (LRG_502t1, NM_020937.3); c.4182C>T, p.Asp1394= (NM_001308133.2).
Identifiers: ClinVar variation 241321 (VCV000241321.45), dbSNP rs113819179, ClinGen allele CA7169667.